The following is an entry in ClinVar:

NM_005996.4(TBX3):c.1549G>A (p.Ala517Thr)

Gene: TBX3 (T-box transcription factor 3; minus strand). Cytogenetic location: 12q24.21.
Variant type: single nucleotide variant.
Coding change: c.1549G>A on transcript NM_005996.4 (MANE Select); coding-DNA position 1549, G replaced by A.
Protein change: p.Ala517Thr; replaces alanine 517 with threonine.
Molecular consequence: missense variant.
Genome position (GRCh38, 1-based): chr12:114,674,326, C>T on the plus strand (G>A on the coding strand, the complement: TBX3 is on the minus strand). VCF-style: chr12-114674326-C-T. GRCh37 (hg19) VCF-style: chr12-115112131-C-T.
Other names: c.1609G>A (NM_016569.3); c.1609G>A, p.Ala537Thr (NM_016569.4); short protein forms A517T, A537T.
Identifiers: ClinVar variation 2360911 (VCV002360911.4), dbSNP rs772620679, ClinGen allele CA6809903.

ClinVar aggregate classification (germline): Conflicting classifications of pathogenicity. Review status: criteria provided, conflicting classifications (1 of 4 stars). 3 submissions from 3 submitters: Uncertain significance (1); Likely benign (1). 1 of the submissions does not count toward it. Last evaluated 2023-08-03.

Conditions:
Inborn genetic diseases. Identifiers: MedGen C0950123, MeSH D030342.
TBX3-related disorder. Also called: TBX3-related condition.

Allele frequency attached by ClinVar (database versions not stated): gnomAD 0.00007.
gnomAD v4.1: 16 of 1,568,636 alleles (0.001%); highest among the groups gnomAD compares: African/African-American, 0.016%; no homozygotes.

Submissions (3):

Blueprint Genetics
Classification: Likely benign. Last evaluated: 2023-08-03. Review status: criteria provided, single submitter. Criteria: ACMG Guidelines, 2015. Collection method: clinical testing. Allele origin: germline.

Ambry Genetics
Classification: Uncertain significance for Inborn genetic diseases. Last evaluated: 2021-07-27. Review status: criteria provided, single submitter. Criteria: Ambry Variant Classification Scheme 2023. Collection method: clinical testing. Allele origin: germline.

PreventionGenetics, part of Exact Sciences
Classification: Uncertain significance for TBX3-related condition. Last evaluated: 2024-04-10. Review status: no assertion criteria provided. Collection method: clinical testing. Allele origin: germline. Not counted in ClinVar's aggregate classification.
Comment: The TBX3 c.1609G>A variant is predicted to result in the amino acid substitution p.Ala537Thr. To our knowledge, this variant has not been reported in the literature. This variant is reported in 0.023% of alleles in individuals of African descent in gnomAD. Although we suspect that this variant may be benign, at this time, the clinical significance of this variant is uncertain due to the absence of conclusive functional and genetic evidence.